The following is an entry in ClinVar:

NM_018026.4(PACS1):c.1676A>G (p.Asp559Gly)

Gene: PACS1 (phosphofurin acidic cluster sorting protein 1; plus strand). Cytogenetic location: 11q13.2.
Variant type: single nucleotide variant.
Coding change: c.1676A>G on transcript NM_018026.4 (MANE Select); coding-DNA position 1676, A replaced by G.
Protein change: p.Asp559Gly; replaces aspartic acid 559 with glycine.
Molecular consequence: missense variant.
Genome position (GRCh38, 1-based): chr11:66,232,221, A>G. VCF-style: chr11-66232221-A-G. GRCh37 (hg19) VCF-style: chr11-65999692-A-G.
Other names: short protein forms D559G.
Identifiers: ClinVar variation 2637368 (VCV002637368.1), dbSNP rs2495584769, ClinGen allele CA381369251.

ClinVar aggregate classification (germline): Uncertain significance (1 of 4 stars; one submission).

Conditions:
PACS1-related disorder. Also called: PACS1-related condition.

Submission:

PreventionGenetics, part of Exact Sciences
Classification: Uncertain significance for PACS1-related condition. Last evaluated: 2022-09-08. Review status: criteria provided, single submitter. Criteria: ACMG Guidelines, 2015. Collection method: clinical testing. Allele origin: germline.
Comment: The PACS1 c.1676A>G variant is predicted to result in the amino acid substitution p.Asp559Gly. To our knowledge, this variant has not been reported in the literature or in a large population database, indicating this variant is rare. At this time, the clinical significance of this variant is uncertain due to the absence of conclusive functional and genetic evidence.